The following is an entry in ClinVar:

NM_025103.4(IFT74):c.23C>A (p.Ser8Ter)

Gene: IFT74 (intraflagellar transport 74; plus strand). Cytogenetic location: 9p21.2.
Variant type: single nucleotide variant.
Coding change: c.23C>A on transcript NM_025103.4 (MANE Select); coding-DNA position 23, C replaced by A.
Protein change: p.Ser8Ter; replaces serine 8 with a stop codon.
Molecular consequence: nonsense.
Genome position (GRCh38, 1-based): chr9:26,961,990, C>A. VCF-style: chr9-26961990-C-A. GRCh37 (hg19) VCF-style: chr9-26961988-C-A.
Other names: c.23C>A, p.Ser8Ter (NM_001099222.3, NM_001099223.3, NM_001099224.3 and 1 more transcripts); c.23C>A (NM_025103.2); short protein forms S8*.
Identifiers: ClinVar variation 2996783 (VCV002996783.4), dbSNP rs757141641, ClinGen allele CA373119900.

ClinVar aggregate classification (germline): Pathogenic. Review status: criteria provided, multiple submitters, no conflicts (2 of 4 stars). 2 submissions from 2 submitters: Pathogenic (2). Last evaluated 2024-10-26.

Conditions:
IFT74-related disorder. Also called: IFT74-related condition; IFT74-Related Disorders.

Allele frequency attached by ClinVar (database versions not stated): gnomAD exomes below 0.00001; TOPMed below 0.00001; gnomAD 0.00001.
gnomAD v4.1: 4 of 1,614,032 alleles (0.00025%); highest among the groups gnomAD compares: African/African-American, 0.0053%; no homozygotes.

Submissions (2):

PreventionGenetics, part of Exact Sciences
Classification: Pathogenic for IFT74-related condition. Last evaluated: 2024-10-26. Review status: criteria provided, single submitter. Criteria: ACMG Guidelines, 2015. Collection method: clinical testing. Allele origin: germline.
Comment: The IFT74 c.23C>A variant is predicted to result in premature protein termination (p.Ser8*). To our knowledge, this variant has not been reported in the literature. This variant has not been reported in a large population database (gnomAD), indicating this variant is rare. Nonsense variants in IFT74 are expected to be pathogenic. This variant is interpreted as pathogenic.

Labcorp Genetics (formerly Invitae), Labcorp
Classification: Pathogenic. Last evaluated: 2023-02-06. Review status: criteria provided, single submitter. Criteria: Invitae Variant Classification Sherloc (09022015). Collection method: clinical testing. Allele origin: germline.
Comment: For these reasons, this variant has been classified as Pathogenic. Algorithms developed to predict the effect of sequence changes on RNA splicing suggest that this variant may disrupt the consensus splice site. This variant has not been reported in the literature in individuals affected with IFT74-related conditions. This variant is not present in population databases (gnomAD no frequency). This sequence change creates a premature translational stop signal (p.Ser8*) in the IFT74 gene. It is expected to result in an absent or disrupted protein product. Loss-of-function variants in IFT74 are known to be pathogenic (PMID: 33531668).

Literature cited by the submitters: PubMed 33531668 (cited by Labcorp Genetics (formerly Invitae), Labcorp).